The following is an entry in ClinVar:

NM_005862.3(STAG1):c.2090G>A (p.Arg697Gln)

Gene: STAG1 (STAG1 cohesin complex component; minus strand). Cytogenetic location: 3q22.3.
Variant type: single nucleotide variant.
Coding change: c.2090G>A on transcript NM_005862.3 (MANE Select); coding-DNA position 2090, G replaced by A.
Protein change: p.Arg697Gln; replaces arginine 697 with glutamine.
Molecular consequence: missense variant.
Genome position (GRCh38, 1-based): chr3:136,421,111, C>T on the plus strand (G>A on the coding strand, the complement: STAG1 is on the minus strand). VCF-style: chr3-136421111-C-T. GRCh37 (hg19) VCF-style: chr3-136139953-C-T.
Other names: short protein forms R697Q.
Identifiers: ClinVar variation 4746400 (VCV004746400.1).

ClinVar aggregate classification (germline): Uncertain significance (1 of 4 stars; one submission).

gnomAD v4.1: 3 of 1,602,348 alleles (0.00019%); highest among the groups gnomAD compares: Non-Finnish European, 0.00026%; no homozygotes.

Submission:

Labcorp Genetics (formerly Invitae), Labcorp
Classification: Uncertain significance. Last evaluated: 2025-12-13. Review status: criteria provided, single submitter. Criteria: Invitae Variant Classification Sherloc (09022015). Collection method: clinical testing. Allele origin: germline.
Comment: This sequence change replaces arginine, which is basic and polar, with glutamine, which is neutral and polar, at codon 697 of the STAG1 protein (p.Arg697Gln). This variant is present in population databases (no rsID available, gnomAD 0.007%). This variant has not been reported in the literature in individuals affected with STAG1-related conditions. Invitae Evidence Modeling of protein sequence and biophysical properties (such as structural, functional, and spatial information, amino acid conservation, physicochemical variation, residue mobility, and thermodynamic stability) indicates that this missense variant is not expected to disrupt STAG1 protein function with a negative predictive value of 80%. In summary, the available evidence is currently insufficient to determine the role of this variant in disease. Therefore, it has been classified as a Variant of Uncertain Significance.